The following is an entry in ClinVar:

NM_015690.5(STK36):c.175C>T (p.Arg59Trp)

Gene: STK36 (serine/threonine kinase 36; plus strand). Cytogenetic location: 2q35.
Variant type: single nucleotide variant.
Coding change: c.175C>T on transcript NM_015690.5 (MANE Select); coding-DNA position 175, C replaced by T.
Protein change: p.Arg59Trp; replaces arginine 59 with tryptophan.
Molecular consequence: missense variant.
Genome position (GRCh38, 1-based): chr2:218,673,715, C>T. VCF-style: chr2-218673715-C-T. GRCh37 (hg19) VCF-style: chr2-219538438-C-T.
Other names: c.175C>T, p.Arg59Trp (NM_001243313.2, NM_001369423.1); short protein forms R59W.
Identifiers: ClinVar variation 2218761 (VCV002218761.3), dbSNP rs1186686334, ClinGen allele CA350648272.
Genomic context (GRCh38, chr2:218,673,715, plus strand): 5'-GGGCGCTCAGAGAAGGAGCTGAGGAATTTGCAACGAGAGATTGAAATAATGCGGGGTCTG[C>T]GGCATCCCAACATTGTGCATATGCTTGACAGCTTTGAAACTGATAAAGAGGTGTGCTTTG-3'
Protein context (NP_056505.2, residues 49-69): QREIEIMRGL[Arg59Trp]HPNIVHMLDS

ClinVar aggregate classification (germline): Uncertain significance. Review status: criteria provided, multiple submitters, no conflicts (2 of 4 stars). 2 submissions from 2 submitters: Uncertain significance (2). Last evaluated 2023-08-03.

Conditions:
STK36-related disorder. Also called: STK36-related condition.

Allele frequency attached by ClinVar (database versions not stated): gnomAD 0.00002; gnomAD exomes 0.00002.
gnomAD v4.1: 28 of 1,614,012 alleles (0.0017%); highest among the groups gnomAD compares: African/African-American, 0.008%; no homozygotes.

Submissions (2):

PreventionGenetics, part of Exact Sciences
Classification: Uncertain significance for STK36-related condition. Last evaluated: 2023-08-03. Review status: criteria provided, single submitter. Criteria: ACMG Guidelines, 2015. Collection method: clinical testing. Allele origin: germline.
Comment: The STK36 c.175C>T variant is predicted to result in the amino acid substitution p.Arg59Trp. To our knowledge, this variant has not been reported in the literature. This variant is reported in 0.0099% of alleles in individuals of Ashkenazi Jewish descent in gnomAD. At this time, the clinical significance of this variant is uncertain due to the absence of conclusive functional and genetic evidence.

Ambry Genetics
Classification: Uncertain significance. Last evaluated: 2021-08-12. Review status: criteria provided, single submitter. Criteria: Ambry Variant Classification Scheme 2023. Collection method: clinical testing. Allele origin: germline.